The following is an entry in ClinVar:

NM_203447.4(DOCK8):c.1391C>A (p.Ser464Tyr)

Gene: DOCK8 (dedicator of cytokinesis 8; plus strand). Cytogenetic location: 9p24.3.
Variant type: single nucleotide variant.
Coding change: c.1391C>A on transcript NM_203447.4 (MANE Select); coding-DNA position 1391, C replaced by A.
Protein change: p.Ser464Tyr; replaces serine 464 with tyrosine.
Molecular consequence: missense variant.
Genome position (GRCh38, 1-based): chr9:336,687, C>A. VCF-style: chr9-336687-C-A. GRCh37 (hg19) VCF-style: chr9-336687-C-A.
Other names: c.1187C>A, p.Ser396Tyr (NM_001190458.2, NM_001193536.2); short protein forms S464Y, S396Y.
Identifiers: ClinVar variation 366673 (VCV000366673.15), dbSNP rs531279290, ClinGen allele CA4957710.

ClinVar aggregate classification (germline): Conflicting classifications of pathogenicity. Review status: criteria provided, conflicting classifications (1 of 4 stars). 3 submissions from 3 submitters: Uncertain significance (1); Likely benign (1). 1 of the submissions does not count toward it. Last evaluated 2026-01-06.

Conditions:
Combined immunodeficiency due to DOCK8 deficiency (HIES2). Also called: HIES autosomal recessive; Hyper-IgE recurrent infection syndrome, autosomal recessive; HYPER-IgE RECURRENT INFECTION SYNDROME 2, AUTOSOMAL RECESSIVE; HYPER-IgE SYNDROME 2, AUTOSOMAL RECESSIVE, WITH RECURRENT INFECTIONS; DOCK8 Deficiency. Identifiers: Orphanet 217390, MedGen C4722305, MONDO:0009478, OMIM 243700.
DOCK8-related disorder. Also called: DOCK8-related condition.

Allele frequency attached by ClinVar (database versions not stated): gnomAD below 0.00001 and 0.00007; TOPMed 0.00001; gnomAD exomes 0.00025; ExAC 0.00027; 1000 Genomes Project 30x 0.00031; 1000 Genomes Project 0.00040.
gnomAD v4.1: 207 of 1,614,040 alleles (0.013%); highest among the groups gnomAD compares: South Asian, 0.21%; 2 homozygotes.

Submissions (3):

Labcorp Genetics (formerly Invitae), Labcorp
Classification: Likely benign for Combined immunodeficiency due to DOCK8 deficiency. Last evaluated: 2026-01-06. Review status: criteria provided, single submitter. Criteria: Invitae Variant Classification Sherloc (09022015). Collection method: clinical testing. Allele origin: germline.

Illumina Laboratory Services, Illumina
Classification: Uncertain significance for Combined immunodeficiency due to DOCK8 deficiency. Last evaluated: 2018-01-12. Review status: criteria provided, single submitter. Criteria: ICSL Variant Classification Criteria 13 December 2019. Collection method: clinical testing. Allele origin: germline.

PreventionGenetics, part of Exact Sciences
Classification: Uncertain significance for DOCK8-related condition. Last evaluated: 2024-06-24. Review status: no assertion criteria provided. Collection method: clinical testing. Allele origin: germline. Not counted in ClinVar's aggregate classification.
Comment: The DOCK8 c.1391C>A variant is predicted to result in the amino acid substitution p.Ser464Tyr. To our knowledge, this variant has not been reported in the literature. This variant is reported in 0.20% of alleles in individuals of South Asian descent in gnomAD, which may be too common to be causative. Although we suspect that this variant may be benign, at this time, the clinical significance of this variant is uncertain due to the absence of conclusive functional and genetic evidence.